The following is an entry in ClinVar:

NM_001122769.3(LCA5):c.824A>G (p.Gln275Arg)

Gene: LCA5 (lebercilin LCA5; minus strand). Cytogenetic location: 6q14.1.
Variant type: single nucleotide variant.
Coding change: c.824A>G on transcript NM_001122769.3 (MANE Select); coding-DNA position 824, A replaced by G.
Protein change: p.Gln275Arg; replaces glutamine 275 with arginine.
Molecular consequence: missense variant.
Genome position (GRCh38, 1-based): chr6:79,493,647, T>C on the plus strand (A>G on the coding strand, the complement: LCA5 is on the minus strand). VCF-style: chr6-79493647-T-C. GRCh37 (hg19) VCF-style: chr6-80203364-T-C.
Other names: c.824A>G, p.Gln275Arg (NM_181714.4); short protein forms Q275R.
Identifiers: ClinVar variation 2420459 (VCV002420459.5), dbSNP rs781115543, ClinGen allele CA3901018.

ClinVar aggregate classification (germline): Uncertain significance (1 of 4 stars; one submission).

Allele frequency attached by ClinVar (database versions not stated): ExAC 0.00001; gnomAD 0.00001; gnomAD exomes 0.00001; TOPMed 0.00002.
gnomAD v4.1: 10 of 1,613,676 alleles (0.00062%); highest among the groups gnomAD compares: Admixed American, 0.0033%; no homozygotes.

Submission:

Labcorp Genetics (formerly Invitae), Labcorp
Classification: Uncertain significance. Last evaluated: 2024-10-16. Review status: criteria provided, single submitter. Criteria: Invitae Variant Classification Sherloc (09022015). Collection method: clinical testing. Allele origin: germline.
Comment: This sequence change replaces glutamine, which is neutral and polar, with arginine, which is basic and polar, at codon 275 of the LCA5 protein (p.Gln275Arg). This variant is present in population databases (rs781115543, gnomAD 0.003%). This variant has not been reported in the literature in individuals affected with LCA5-related conditions. ClinVar contains an entry for this variant (Variation ID: 2420459). Invitae Evidence Modeling of protein sequence and biophysical properties (such as structural, functional, and spatial information, amino acid conservation, physicochemical variation, residue mobility, and thermodynamic stability) indicates that this missense variant is not expected to disrupt LCA5 protein function with a negative predictive value of 80%. In summary, the available evidence is currently insufficient to determine the role of this variant in disease. Therefore, it has been classified as a Variant of Uncertain Significance.